The following is an entry in ClinVar:

NM_000092.5(COL4A4):c.4701G>T (p.Ala1567=)

Gene: COL4A4 (collagen type IV alpha 4 chain; minus strand). Cytogenetic location: 2q36.3.
Variant type: single nucleotide variant.
Coding change: c.4701G>T on transcript NM_000092.5 (MANE Select); coding-DNA position 4701, G replaced by T.
Protein change: p.Ala1567=; no amino-acid change (alanine 1567 retained).
Molecular consequence: synonymous variant.
Genome position (GRCh38, 1-based): chr2:227,008,126, C>A on the plus strand (G>T on the coding strand, the complement: COL4A4 is on the minus strand). VCF-style: chr2-227008126-C-A. GRCh37 (hg19) VCF-style: chr2-227872842-C-A.
Other names: c.4701G>T (NM_000092.4).
Identifiers: ClinVar variation 1154168 (VCV001154168.11), dbSNP rs375189390, ClinGen allele CA431672146.
Genomic context (GRCh38, chr2:227,008,126, plus strand): 5'-TGGGGGGATGGACTGGTCCTGGCTGTGCACCGCCACCGCCTGGGCCGGGGCCTCGCATAC[C>A]GCACAGCGGCTGACATAGGGGCGGATCGCCTCTTCAGAGAGTGGCATCATGGGGAGGGGC-3'
Protein context (NP_000083.3, residues 1557-1577): EAIRPYVSRC[Ala1567=]VCEAPAQAVA

ClinVar aggregate classification (germline): Likely benign. Review status: criteria provided, single submitter (1 of 4 stars). 2 submissions from 2 submitters: Likely benign (1). 1 of the submissions does not count toward it. Last evaluated 2023-09-19.

Conditions:
COL4A4-related disorder.

gnomAD v4.1: 4 of 1,613,984 alleles (0.00025%); highest among the groups gnomAD compares: Admixed American, 0.0033%; no homozygotes.

Submissions (2):

Labcorp Genetics (formerly Invitae), Labcorp
Classification: Likely benign. Last evaluated: 2023-09-19. Review status: criteria provided, single submitter. Criteria: Invitae Variant Classification Sherloc (09022015). Collection method: clinical testing. Allele origin: germline.

PreventionGenetics, part of Exact Sciences
Classification: Likely benign for COL4A4-related condition. Last evaluated: 2022-12-19. Review status: no assertion criteria provided. Collection method: clinical testing. Allele origin: germline. Not counted in ClinVar's aggregate classification.
Comment: This variant is classified as likely benign based on ACMG/AMP sequence variant interpretation guidelines (Richards et al. 2015 PMID: 25741868, with internal and published modifications).